The following is an entry in ClinVar:

NM_000489.6(ATRX):c.5576A>G (p.Asn1859Ser)

Gene: ATRX (ATRX chromatin remodeler; minus strand). Cytogenetic location: Xq21.1.
Variant type: single nucleotide variant.
Coding change: c.5576A>G on transcript NM_000489.6 (MANE Select); coding-DNA position 5576, A replaced by G.
Protein change: p.Asn1859Ser; replaces asparagine 1859 with serine.
Molecular consequence: missense variant.
Genome position (GRCh38, 1-based): chrX:77,600,555, T>C on the plus strand (A>G on the coding strand, the complement: ATRX is on the minus strand). VCF-style: chrX-77600555-T-C. GRCh37 (hg19) VCF-style: chrX-76856024-T-C.
Other names: c.5462A>G, p.Asn1821Ser (NM_138270.5); short protein forms N1859S, N1821S.
Identifiers: ClinVar variation 133647 (VCV000133647.1), dbSNP rs587778084, ClinGen allele CA157218.

ClinVar aggregate classification (germline): not provided (0 of 4 stars; one submission).

Allele frequency attached by ClinVar (database versions not stated): TOPMed 0.00003.
gnomAD v4.1: 2 of 1,210,625 alleles (0.00017%); highest among the groups gnomAD compares: Non-Finnish European, 0.00022%; no homozygotes.

Submission:

ITMI
No classification provided. Condition: AllHighlyPenetrant. Last evaluated: 2013-09-19. Review status: no classification provided. Collection method: reference population. Allele origin: germline.
Comment: Please see associated publication for description of ethnicities

Literature cited by the submitters: PubMed 24728327.